The following is an entry in ClinVar:

ClinVar aggregate classification (germline): Uncertain significance. Review status: criteria provided, single submitter (1 of 4 stars). 2 submissions from 2 submitters: Uncertain significance (1). 1 of the submissions does not count toward it. Last evaluated 2023-06-15.

Conditions:
Joubert syndrome. Also called: CEREBELLOPARENCHYMAL DISORDER IV; JOUBERT-BOLTSHAUSER SYNDROME; Familial aplasia of the vermis. Identifiers: Orphanet 475, MedGen C5979921, MONDO:0018772.
Nephronophthisis. Also called: Juvenile Nephronophthisis. Identifiers: Orphanet 655, MedGen C0687120, MONDO:0019005, HP:0000090.
Meckel-Gruber syndrome. Also called: DYSENCEPHALIA SPLANCHNOCYSTICA; GRUBER SYNDROME; Dysencephalia splachnocystica. Identifiers: Orphanet 564, MedGen C0265215, MONDO:0018921.
Leber congenital amaurosis (LCA). Also called: Leber's amaurosis. Identifiers: Orphanet 65, MedGen C0339527, MeSH D057130, MONDO:0018998.

Allele frequency attached by ClinVar (database versions not stated): gnomAD exomes 0.00001.
gnomAD v4.1: 9 of 1,608,412 alleles (0.00056%); highest among the groups gnomAD compares: Non-Finnish European, 0.00076%; no homozygotes.

Submissions (2):

Labcorp Genetics (formerly Invitae), Labcorp
Classification: Uncertain significance for Joubert syndrome; Meckel-Gruber syndrome; Nephronophthisis. Last evaluated: 2023-06-15. Review status: criteria provided, single submitter. Criteria: Invitae Variant Classification Sherloc (09022015). Collection method: clinical testing. Allele origin: germline.
Comment: This sequence change falls in intron 26 of the CEP290 gene. It does not directly change the encoded amino acid sequence of the CEP290 protein. It affects a nucleotide within the consensus splice site. This variant is not present in population databases (gnomAD no frequency). In summary, the available evidence is currently insufficient to determine the role of this variant in disease. Therefore, it has been classified as a Variant of Uncertain Significance. Variants that disrupt the consensus splice site are a relatively common cause of aberrant splicing (PMID: 17576681, 9536098). Algorithms developed to predict the effect of sequence changes on RNA splicing suggest that this variant is not likely to affect RNA splicing. This variant has not been reported in the literature in individuals affected with CEP290-related conditions.

Natera, Inc.
Classification: Uncertain significance for Leber congenital amaurosis. Last evaluated: 2025-04-10. Review status: no assertion criteria provided. Collection method: clinical testing. Allele origin: germline. Not counted in ClinVar's aggregate classification.

Literature cited by the submitters: PubMed 17576681 (cited by Labcorp Genetics (formerly Invitae), Labcorp); PubMed 9536098 (cited by Labcorp Genetics (formerly Invitae), Labcorp).

NM_025114.4(CEP290):c.2991+3A>C

Gene: CEP290 (centrosomal protein 290; minus strand). Cytogenetic location: 12q21.32.
Variant type: single nucleotide variant.
Coding change: c.2991+3A>C on transcript NM_025114.4 (MANE Select); 3 bases into the intron after coding-DNA position 2991, A replaced by C.
Molecular consequence: intron variant.
Genome position (GRCh38, 1-based): chr12:88,102,835, T>G on the plus strand (A>C on the coding strand, the complement: CEP290 is on the minus strand). VCF-style: chr12-88102835-T-G. GRCh37 (hg19) VCF-style: chr12-88496612-T-G.
Other names: c.2991+3A>C (NM_025114.3).
Identifiers: ClinVar variation 2930843 (VCV002930843.2), dbSNP rs2500522397, ClinGen allele CA2620108410.